The following is an entry in ClinVar:

NM_006421.5(ARFGEF1):c.3374T>G (p.Val1125Gly)

Gene: ARFGEF1 (ARF guanine nucleotide exchange factor 1; minus strand). Cytogenetic location: 8q13.2.
Variant type: single nucleotide variant.
Coding change: c.3374T>G on transcript NM_006421.5 (MANE Select); coding-DNA position 3374, T replaced by G.
Protein change: p.Val1125Gly; replaces valine 1125 with glycine.
Molecular consequence: missense variant. On other transcripts: non-coding transcript variant (1).
Genome position (GRCh38, 1-based): chr8:67,232,861, A>C on the plus strand (T>G on the coding strand, the complement: ARFGEF1 is on the minus strand). VCF-style: chr8-67232861-A-C. GRCh37 (hg19) VCF-style: chr8-68145096-A-C.
Other names: c.3374T>G, p.Val1125Gly (NM_001413184.1, NM_001413185.1, NM_001413186.1 and 6 more transcripts); c.2774T>G, p.Val925Gly (NM_001413188.1, NM_001413193.1, NM_001413197.1); c.3368T>G, p.Val1123Gly (NM_001413190.1); c.1949T>G, p.Val650Gly (NM_001413196.1); short protein forms V1123G, V1125G, V650G, V925G.
Identifiers: ClinVar variation 3366134 (VCV003366134.2).

ClinVar aggregate classification (germline): Uncertain significance (1 of 4 stars; one submission).

Submission:

GeneDx
Classification: Uncertain significance. Last evaluated: 2025-01-16. Review status: criteria provided, single submitter. Criteria: GeneDx Variant Classification Process June 2021. Collection method: clinical testing. Allele origin: germline.
Comment: Not observed at significant frequency in large population cohorts (gnomAD); In silico analysis supports that this missense variant has a deleterious effect on protein structure/function; Has not been previously published as pathogenic or benign to our knowledge